The following is an entry in ClinVar:

ClinVar aggregate classification (germline): Likely benign (1 of 4 stars; one submission).

Allele frequency attached by ClinVar (database versions not stated): TOPMed 0.00001; gnomAD 0.00002; gnomAD exomes 0.00002.
gnomAD v4.1: 29 of 1,527,454 alleles (0.0019%); highest among the groups gnomAD compares: South Asian, 0.005%; no homozygotes.

Submission:

CeGaT Center for Human Genetics Tuebingen
Classification: Likely benign. Last evaluated: 2022-07-01. Review status: criteria provided, single submitter. Criteria: CeGaT Center For Human Genetics Tuebingen Variant Classification Criteria Version 2. Collection method: clinical testing. Allele origin: germline. Affected: yes. Observed: 1 variant allele.
Comment: CFAP46: BP4, BP7

NM_001200049.3(CFAP46):c.3807C>T (p.Tyr1269=)

Gene: CFAP46 (cilia and flagella associated protein 46; minus strand). Cytogenetic location: 10q26.3.
Variant type: single nucleotide variant.
Coding change: c.3807C>T on transcript NM_001200049.3 (MANE Select); coding-DNA position 3807, C replaced by T.
Protein change: p.Tyr1269=; no amino-acid change (tyrosine 1269 retained).
Molecular consequence: synonymous variant.
Genome position (GRCh38, 1-based): chr10:132,879,624, G>A on the plus strand (C>T on the coding strand, the complement: CFAP46 is on the minus strand). VCF-style: chr10-132879624-G-A. GRCh37 (hg19) VCF-style: chr10-134693128-G-A.
Identifiers: ClinVar variation 2640988 (VCV002640988.24), dbSNP rs1223254205, ClinGen allele CA471865900.